The following is an entry in ClinVar:

ClinVar aggregate classification (germline): Benign (1 of 4 stars; one submission).

gnomAD v4.1: 174 of 1,603,078 alleles (0.011%); highest among the groups gnomAD compares: African/African-American, 0.21%; no homozygotes.

Submission:

Women's Health and Genetics/Laboratory Corporation of America, LabCorp
Classification: Benign. Last evaluated: 2026-02-05. Review status: criteria provided, single submitter. Criteria: LabCorp Variant Classification Summary - May 2015. Collection method: clinical testing. Allele origin: germline.
Comment: Variant summary: DCLRE1C c.*15T>G is located in the untranslated mRNA region downstream of the termination codon. The variant allele was found at a frequency of 0.00018 in 250770 control chromosomes, predominantly at a frequency of 0.0026 within the African or African-American subpopulation in the gnomAD database. The observed variant frequency within African or African-American control individuals in the gnomAD database exceeds the estimated maximal expected allele frequency for disease-causing variants in DCLRE1C. To our knowledge, no occurrence of c.*15T>G in individuals affected with DCLRE1C-related conditions and no experimental evidence demonstrating its impact on protein function have been reported. No submitters have cited clinical-significance assessments for this variant to ClinVar. Based on the evidence outlined above, the variant was classified as benign.

NM_001033855.3(DCLRE1C):c.*15T>G

Gene: DCLRE1C (DNA cross-link repair 1C; minus strand). Cytogenetic location: 10p13.
Variant type: single nucleotide variant.
Coding change: c.*15T>G on transcript NM_001033855.3 (MANE Select); 15 bases downstream of the stop codon, T replaced by G.
Molecular consequence: 3 prime UTR variant. On other transcripts: non-coding transcript variant (3), intron variant (3).
Genome position (GRCh38, 1-based): chr10:14,908,393, A>C on the plus strand (T>G on the coding strand, the complement: DCLRE1C is on the minus strand). VCF-style: chr10-14908393-A-C. GRCh37 (hg19) VCF-style: chr10-14950392-A-C.
Other names: c.*15T>G (NM_001033857.3, NM_001033858.3, NM_001289076.2 and 4 more transcripts); c.1437+312T>G (NM_001350966.2); c.1782+312T>G (NM_001350965.2); c.1422+312T>G (NM_001350967.2).
Identifiers: ClinVar variation 4688980 (VCV004688980.2).